The following is an entry in ClinVar:

NM_001356.5(DDX3X):c.320T>C (p.Ile107Thr)

Gene: DDX3X (DEAD-box helicase 3 X-linked; plus strand). Cytogenetic location: Xp11.4.
Variant type: single nucleotide variant.
Coding change: c.320T>C on transcript NM_001356.5 (MANE Select); coding-DNA position 320, T replaced by C.
Protein change: p.Ile107Thr; replaces isoleucine 107 with threonine.
Molecular consequence: missense variant. On other transcripts: 5 prime UTR variant (1), non-coding transcript variant (1).
Genome position (GRCh38, 1-based): chrX:41,342,530, T>C. VCF-style: chrX-41342530-T-C. GRCh37 (hg19) VCF-style: chrX-41201783-T-C.
Other names: c.320T>C, p.Ile107Thr (NM_001193416.3); c.272T>C, p.Ile91Thr (NM_001193417.3); c.-239T>C (NM_001363819.1); short protein forms I107T, I91T.
Identifiers: ClinVar variation 3368516 (VCV003368516.1).
Genomic context (GRCh38, chrX:41,342,530, plus strand): 5'-CTGATTAATTGCTTGTGCTGTTCAGGTTTGATGATCGTGGACGGAGTGATTACGATGGCA[T>C]TGGCAGCCGTGGTGACAGAAGTGGCTTTGGCAAATTTGAACGTGGTGGAAACAGTCGCTG-3'
Protein context (NP_001347.3, residues 97-117): DDRGRSDYDG[Ile107Thr]GSRGDRSGFG

ClinVar aggregate classification (germline): Uncertain significance (1 of 4 stars; one submission).

Submission:

GeneDx
Classification: Uncertain significance. Last evaluated: 2024-02-20. Review status: criteria provided, single submitter. Criteria: GeneDx Variant Classification Process June 2021. Collection method: clinical testing. Allele origin: germline. Affected: yes.
Comment: Not observed at significant frequency in large population cohorts (gnomAD); In silico analysis supports that this missense variant does not alter protein structure/function; Has not been previously published as pathogenic or benign to our knowledge